The following is an entry in ClinVar:

NM_014908.4(DOLK):c.481G>T (p.Val161Leu)

Gene: DOLK (dolichol kinase; minus strand). Cytogenetic location: 9q34.11.
Variant type: single nucleotide variant.
Coding change: c.481G>T on transcript NM_014908.4 (MANE Select); coding-DNA position 481, G replaced by T.
Protein change: p.Val161Leu; replaces valine 161 with leucine.
Molecular consequence: missense variant.
Genome position (GRCh38, 1-based): chr9:128,946,823, C>A on the plus strand (G>T on the coding strand, the complement: DOLK is on the minus strand). VCF-style: chr9-128946823-C-A. GRCh37 (hg19) VCF-style: chr9-131709102-C-A.
Other names: c.481G>T (NM_014908.3); short protein forms V161L.
Identifiers: ClinVar variation 1431071 (VCV001431071.9), dbSNP rs769800558, ClinGen allele CA200445208.

ClinVar aggregate classification (germline): Uncertain significance. Review status: criteria provided, multiple submitters, no conflicts (2 of 4 stars). 2 submissions from 2 submitters: Uncertain significance (2). Last evaluated 2025-12-24.

Conditions:
DK1-congenital disorder of glycosylation. Also called: DOLK-congenital disorder of glycosylation; Carbohydrate deficient glycoprotein syndrome type 1m; CDG Im; DK1-CDG; CONGENITAL DISORDER OF GLYCOSYLATION, TYPE Im; DK1 DEFICIENCY. Identifiers: Orphanet 91131, MedGen C1835849, MONDO:0012556, OMIM 610768.
Cardiovascular phenotype. Identifiers: MedGen CN230736.

Allele frequency attached by ClinVar (database versions not stated): TOPMed 0.00001.
gnomAD v4.1: 32 of 1,613,374 alleles (0.002%); highest among the groups gnomAD compares: Non-Finnish European, 0.0026%; no homozygotes.

Submissions (2):

Labcorp Genetics (formerly Invitae), Labcorp
Classification: Uncertain significance for DK1-congenital disorder of glycosylation. Last evaluated: 2025-12-24. Review status: criteria provided, single submitter. Criteria: Invitae Variant Classification Sherloc (09022015). Collection method: clinical testing. Allele origin: germline.
Comment: This sequence change replaces valine, which is neutral and non-polar, with leucine, which is neutral and non-polar, at codon 161 of the DOLK protein (p.Val161Leu). This variant is not present in population databases (gnomAD no frequency). This variant has not been reported in the literature in individuals affected with DOLK-related conditions. ClinVar contains an entry for this variant (Variation ID: 1431071). Invitae Evidence Modeling of protein sequence and biophysical properties (such as structural, functional, and spatial information, amino acid conservation, physicochemical variation, residue mobility, and thermodynamic stability) indicates that this missense variant is not expected to disrupt DOLK protein function with a negative predictive value of 80%. In summary, the available evidence is currently insufficient to determine the role of this variant in disease. Therefore, it has been classified as a Variant of Uncertain Significance.

Ambry Genetics
Classification: Uncertain significance for Cardiovascular phenotype. Last evaluated: 2025-09-17. Review status: criteria provided, single submitter. Criteria: Ambry Variant Classification Scheme 2023. Collection method: clinical testing. Allele origin: germline.
Comment: The p.V161L variant (also known as c.481G>T), located in coding exon 1 of the DOLK gene, results from a G to T substitution at nucleotide position 481. The valine at codon 161 is replaced by leucine, an amino acid with highly similar properties. This amino acid position is conserved. In addition, the in silico prediction for this alteration is inconclusive. Based on the available evidence, the clinical significance of this variant remains unclear.